The following is an entry in ClinVar:

ClinVar aggregate classification (germline): Pathogenic (1 of 4 stars; one submission).

Conditions:
Osteogenesis imperfecta type I (OI1). Also called: Lobstein disease; OI, TYPE I; OSTEOGENESIS IMPERFECTA TARDA; OSTEOGENESIS IMPERFECTA WITH BLUE SCLERAE; Osteogenesis imperfecta type 1; Classic Non-deforming Osteogenesis Imperfecta with Blue Sclerae. Identifiers: Orphanet 216796, Orphanet 666, MedGen C0023931, MONDO:0008146, OMIM 166200. Disease mechanism: loss of function.

Submission:

Labcorp Genetics (formerly Invitae), Labcorp
Classification: Pathogenic for Osteogenesis imperfecta type I. Last evaluated: 2022-05-03. Review status: criteria provided, single submitter. Criteria: Invitae Variant Classification Sherloc (09022015). Collection method: clinical testing. Allele origin: germline.
Comment: This variant is not present in population databases (gnomAD no frequency). This sequence change replaces glycine, which is neutral and non-polar, with arginine, which is basic and polar, at codon 296 of the COL1A1 protein (p.Gly296Arg). This missense change has been observed in individual(s) with clinical features of osteogenesis imperfecta (Invitae). For these reasons, this variant has been classified as Pathogenic. This variant disrupts the p.Gly296 amino acid residue in COL1A1. Other variant(s) that disrupt this residue have been observed in individuals with COL1A1-related conditions (PMID: 30692697, 31429852), which suggests that this may be a clinically significant amino acid residue. This variant disrupts the triple helix domain of COL1A1. Glycine residues within the Gly-Xaa-Yaa repeats of the triple helix domain are required for the structure and stability of fibrillar collagens (PMID: 7695699, 8218237, 19344236). In COL1A1, variants affecting these glycine residues are significantly enriched in individuals with disease (PMID: 9016532, 17078022) compared to the general population (ExAC). Advanced modeling of protein sequence and biophysical properties (such as structural, functional, and spatial information, amino acid conservation, physicochemical variation, residue mobility, and thermodynamic stability) performed at Invitae indicates that this missense variant is expected to disrupt COL1A1 protein function.

Literature cited by the submitters: PubMed 30692697; PubMed 31429852; PubMed 7695699; PubMed 8218237; PubMed 19344236; PubMed 9016532; PubMed 17078022.

NM_000088.4(COL1A1):c.886G>A (p.Gly296Arg)

Genes: COL1A1 (collagen type I alpha 1 chain; minus strand), LOC126862586 (CDK7 strongly-dependent group 2 enhancer GRCh37_chr17:48273702-48274901; plus strand). Cytogenetic location: 17q21.33.
Variant type: single nucleotide variant.
Coding change: c.886G>A on transcript NM_000088.4 (MANE Select); coding-DNA position 886, G replaced by A.
Protein change: p.Gly296Arg; replaces glycine 296 with arginine.
Molecular consequence: missense variant.
Genome position (GRCh38, 1-based): chr17:50,196,501, C>T on the plus strand (G>A on the coding strand, the complement: COL1A1 is on the minus strand). VCF-style: chr17-50196501-C-T. GRCh37 (hg19) VCF-style: chr17-48273862-C-T.
Other names: short protein forms G296R.
Identifiers: ClinVar variation 2102018 (VCV002102018.4), dbSNP rs2509236663, ClinGen allele CA400222096.